The following is an entry in ClinVar:

NM_006371.5(CRTAP):c.638del (p.Ala213fs)

Gene: CRTAP (cartilage associated protein; plus strand). Cytogenetic location: 3p22.3.
Variant type: Deletion.
Coding change: c.638del on transcript NM_006371.5 (MANE Select); coding-DNA position 638, one base deleted (C; older notation c.638delC).
Protein change: p.Ala213fs; shifts the reading frame from alanine 213.
Molecular consequence: frameshift variant.
Genome position (GRCh38, 1-based): chr3:33,124,424, C deleted. VCF-style (leftmost placement, unchanged base first): chr3-33124423-GC-G. GRCh37 (hg19) VCF-style: chr3-33165915-GC-G.
Other names: c.638del, p.Ala213fs (NM_001393363.1, NM_001393364.1); c.488del, p.Ala163fs (NM_001393365.1); short protein forms A163fs, A213fs.
Identifiers: ClinVar variation 2822885 (VCV002822885.3), dbSNP rs2471573874, ClinGen allele CA2739279437.

ClinVar aggregate classification (germline): Pathogenic (1 of 4 stars; one submission).

Conditions:
Osteogenesis imperfecta type 7 (OI7). Also called: OI type 7; OI type VII; OSTEOGENESIS IMPERFECTA, TYPE IIB; Osteogenesis imperfecta type 2B; OI type 2B; Osteogenesis imperfecta, perinatal lethal autosomal recessive. Identifiers: MedGen C1853162, MONDO:0012536, OMIM 610682.

Submission:

Labcorp Genetics (formerly Invitae), Labcorp
Classification: Pathogenic for Osteogenesis imperfecta type 7. Last evaluated: 2022-12-21. Review status: criteria provided, single submitter. Criteria: Invitae Variant Classification Sherloc (09022015). Collection method: clinical testing. Allele origin: germline.
Comment: For these reasons, this variant has been classified as Pathogenic. This variant has not been reported in the literature in individuals affected with CRTAP-related conditions. This variant is not present in population databases (gnomAD no frequency). This sequence change creates a premature translational stop signal (p.Ala213Glufs*51) in the CRTAP gene. It is expected to result in an absent or disrupted protein product. Loss-of-function variants in CRTAP are known to be pathogenic (PMID: 17055431, 19862557, 24715559).

Literature cited by the submitters: PubMed 17055431; PubMed 19862557; PubMed 24715559.